The following is an entry in ClinVar:

ClinVar aggregate classification (germline): Uncertain significance (1 of 4 stars; one submission).

Conditions:
Muscular dystrophy-dystroglycanopathy (congenital with brain and eye anomalies), type a, 8 (MDDGA8). Also called: WALKER-WARBURG SYNDROME OR MUSCLE-EYE-BRAIN DISEASE, GTDC2-RELATED. Identifiers: Orphanet 899, MedGen C3553813, MONDO:0013904, OMIM 614830.

Allele frequency attached by ClinVar (database versions not stated): gnomAD 0.00001; gnomAD exomes 0.00002; TOPMed 0.00002; ExAC 0.00004.

Submission:

Labcorp Genetics (formerly Invitae), Labcorp
Classification: Uncertain significance for Muscular dystrophy-dystroglycanopathy (congenital with brain and eye anomalies), type a, 8. Last evaluated: 2022-02-04. Review status: criteria provided, single submitter. Criteria: Invitae Variant Classification Sherloc (09022015). Collection method: clinical testing. Allele origin: germline.
Comment: This sequence change replaces alanine, which is neutral and non-polar, with threonine, which is neutral and polar, at codon 497 of the POMGNT2 protein (p.Ala497Thr). This variant is present in population databases (rs755335888, gnomAD 0.03%). This variant has not been reported in the literature in individuals affected with POMGNT2-related conditions. Algorithms developed to predict the effect of missense changes on protein structure and function (SIFT, PolyPhen-2, Align-GVGD) all suggest that this variant is likely to be tolerated. In summary, the available evidence is currently insufficient to determine the role of this variant in disease. Therefore, it has been classified as a Variant of Uncertain Significance.

NM_032806.6(POMGNT2):c.1489G>A (p.Ala497Thr)

Gene: POMGNT2 (protein O-linked mannose N-acetylglucosaminyltransferase 2 (beta 1,4-); minus strand). Cytogenetic location: 3p22.1.
Variant type: single nucleotide variant.
Coding change: c.1489G>A on transcript NM_032806.6 (MANE Select); coding-DNA position 1489, G replaced by A.
Protein change: p.Ala497Thr; replaces alanine 497 with threonine.
Molecular consequence: missense variant.
Genome position (GRCh38, 1-based): chr3:43,079,943, C>T on the plus strand (G>A on the coding strand, the complement: POMGNT2 is on the minus strand). VCF-style: chr3-43079943-C-T. GRCh37 (hg19) VCF-style: chr3-43121435-C-T.
Other names: short protein forms A497T.
Identifiers: ClinVar variation 2030167 (VCV002030167.1), dbSNP rs755335888, ClinGen allele CA2339836.